The following is an entry in ClinVar:

ClinVar aggregate classification (germline): Uncertain significance (1 of 4 stars; one submission).

Conditions:
Duane retraction syndrome. Also called: Duane Syndrome; Duane's syndrome; RETRACTION SYNDROME; Duane anomaly. Identifiers: Orphanet 233, MedGen C0013261, MONDO:0007473, HP:0009921.

Allele frequency attached by ClinVar (database versions not stated): gnomAD exomes 0.00001.

Submission:

Broad Center for Mendelian Genomics, Broad Institute of MIT and Harvard
Classification: Uncertain significance for Duane retraction syndrome. Last evaluated: 2024-02-26. Review status: criteria provided, single submitter. Criteria: ACMG Guidelines, 2015. Collection method: curation. Allele origin: germline. Inheritance: Autosomal dominant inheritance.
Comment: While this gene is still lacking sufficient evidence to establish a gene-disease association, we believe this is a possible novel gene candidate for DRS. Given the limited information about this gene-disease relationship, the significance of the p.Gln629His variant is uncertain. If you have any additional information about functional evidence or other individuals with this phenotype that also have variants in FER we encourage you to reach out to the Engle Lab.

NM_005246.4(FER):c.1887A>C (p.Gln629His)

Gene: FER (FER tyrosine kinase; plus strand). Cytogenetic location: 5q21.3.
Variant type: single nucleotide variant.
Coding change: c.1887A>C on transcript NM_005246.4 (MANE Select); coding-DNA position 1887, A replaced by C.
Protein change: p.Gln629His; replaces glutamine 629 with histidine.
Molecular consequence: missense variant. On other transcripts: non-coding transcript variant (1).
Genome position (GRCh38, 1-based): chr5:109,047,161, A>C. VCF-style: chr5-109047161-A-C. GRCh37 (hg19) VCF-style: chr5-108382862-A-C.
Other names: NM_001308031.2:c.780A>C; c.1362A>C, p.Gln454His (NM_001308028.2); c.780A>C, p.Gln260His (NM_001308031.2); short protein forms Q260H, Q454H, Q629H.
Identifiers: ClinVar variation 3024398 (VCV003024398.1), dbSNP rs2534099223, ClinGen allele CA360682792.